The following is an entry in ClinVar:

NM_153006.3(NAGS):c.535dup (p.Ala179fs)

Gene: NAGS (N-acetylglutamate synthase; plus strand). Cytogenetic location: 17q21.31.
Variant type: Duplication.
Coding change: c.535dup on transcript NM_153006.3 (MANE Select); coding-DNA position 535, one base duplicated (G; older notation c.535dupG).
Protein change: p.Ala179fs; shifts the reading frame from alanine 179.
Molecular consequence: frameshift variant.
Genome position (GRCh38, 1-based): chr17:44,005,745, G duplicated; the last of 2 consecutive G bases (chr17:44,005,744-44,005,745); duplicating either gives the same sequence. VCF-style (leftmost placement, unchanged base first): chr17-44005743-C-CG. GRCh37 (hg19) VCF-style: chr17-42083111-C-CG.
Other names: short protein forms A179fs.
Identifiers: ClinVar variation 2960648 (VCV002960648.3), dbSNP rs2509279402, ClinGen allele CA2740093745.

ClinVar aggregate classification (germline): Pathogenic (1 of 4 stars; one submission).

Conditions:
Hyperammonemia, type III (NAGSD). Also called: Hyperammonemia due to N-acetylglutamate synthase deficiency. Identifiers: Orphanet 927, MedGen C0268543, MONDO:0009377, OMIM 237310.

Submission:

Labcorp Genetics (formerly Invitae), Labcorp
Classification: Pathogenic for Hyperammonemia, type III. Last evaluated: 2023-01-28. Review status: criteria provided, single submitter. Criteria: Invitae Variant Classification Sherloc (09022015). Collection method: clinical testing. Allele origin: germline.
Comment: This sequence change creates a premature translational stop signal (p.Ala179Glyfs*117) in the NAGS gene. It is expected to result in an absent or disrupted protein product. Loss-of-function variants in NAGS are known to be pathogenic (PMID: 12594532). This variant is not present in population databases (gnomAD no frequency). This variant has not been reported in the literature in individuals affected with NAGS-related conditions. For these reasons, this variant has been classified as Pathogenic.

Literature cited by the submitters: PubMed 12594532.